The following is an entry in ClinVar:

ClinVar aggregate classification (germline): Likely pathogenic (1 of 4 stars; one submission).

Submission:

GeneDx
Classification: Likely pathogenic. Last evaluated: 2017-08-04. Review status: criteria provided, single submitter. Criteria: GeneDx Variant Classification (06012015). Collection method: clinical testing. Allele origin: germline. Affected: yes.
Comment: The c.2415delT likely pathogenic variant in the KCNH2 gene has not been reported to our knowledge. This variant causes a shift in reading frame starting at codon phenylalanine 805, changing it to a leucine, and creating a premature stop codon at position 5 of the new reading frame, denoted p.Phe805LeufsX5. This likely pathogenic variant is expected to result in either an abnormal, truncated protein product or loss of protein from this allele through nonsense-mediated mRNA decay. Other frameshift variants in the KCNH2 gene have been reported in Human Gene Mutation Database in association with LQTS (Stenson et al., 2014), indicating that loss of function is a mechanism of disease for this gene. Furthermore, the c.2415delT variant has not been observed in large population cohorts (Lek et al., 2016; 1000 Genomes Consortium et al., 2015; Exome Variant Server). However, this variant lacks observation in a significant number of affected individuals, segregation data, and functional evidence, which would further clarify its pathogenicity.

NM_000238.4(KCNH2):c.2415del (p.Phe805fs)

Gene: KCNH2 (potassium voltage-gated channel subfamily H member 2; minus strand). Cytogenetic location: 7q36.1.
Variant type: Deletion.
Coding change: c.2415del on transcript NM_000238.4 (MANE Select); coding-DNA position 2415, one base deleted (T; older notation c.2415delT).
Protein change: p.Phe805fs; shifts the reading frame from phenylalanine 805.
Molecular consequence: frameshift variant.
Genome position (GRCh38, 1-based): chr7:150,949,033, A deleted on the plus strand (T on the coding strand, the reverse complement: KCNH2 is on the minus strand); the first of 3 consecutive A bases (chr7:150,949,033-150,949,035); deleting any one gives the same sequence. VCF-style (leftmost placement, unchanged base first): chr7-150949032-CA-C. GRCh37 (hg19) VCF-style: chr7-150646120-CA-C.
Other names: c.1395del, p.Phe465fs (NM_172057.3); short protein forms F805fs, F465fs.
Identifiers: ClinVar variation 418689 (VCV000418689.2), dbSNP rs1064793368, ClinGen allele CA16618404.